The following is an entry in ClinVar:

NM_002335.4(LRP5):c.304G>A (p.Val102Met)

Gene: LRP5 (LDL receptor related protein 5; plus strand). Cytogenetic location: 11q13.2.
Variant type: single nucleotide variant.
Coding change: c.304G>A on transcript NM_002335.4 (MANE Select); coding-DNA position 304, G replaced by A.
Protein change: p.Val102Met; replaces valine 102 with methionine.
Molecular consequence: missense variant. On other transcripts: 5 prime UTR variant (1).
Genome position (GRCh38, 1-based): chr11:68,348,059, G>A. VCF-style: chr11-68348059-G-A. GRCh37 (hg19) VCF-style: chr11-68115527-G-A.
Other names: c.304G>A (NM_002335.2); c.-1462G>A (NM_001291902.2); short protein forms V102M.
Identifiers: ClinVar variation 2907413 (VCV002907413.4), dbSNP rs140216273, ClinGen allele CA6148957.

ClinVar aggregate classification (germline): Uncertain significance. Review status: criteria provided, multiple submitters, no conflicts (2 of 4 stars). 2 submissions from 2 submitters: Uncertain significance (2). Last evaluated 2025-04-14.

Conditions:
Inborn genetic diseases. Identifiers: MedGen C0950123, MeSH D030342.

Allele frequency attached by ClinVar (database versions not stated): gnomAD 0.00001; gnomAD exomes 0.00001; TOPMed 0.00003; ExAC 0.00004; ESP Exome Variant Server 0.00008.
gnomAD v4.1: 15 of 1,613,984 alleles (0.00093%); highest among the groups gnomAD compares: East Asian, 0.0067%; no homozygotes.

Submissions (2):

Ambry Genetics
Classification: Uncertain significance for Inborn genetic diseases. Last evaluated: 2025-04-14. Review status: criteria provided, single submitter. Criteria: Ambry Variant Classification Scheme 2023. Collection method: clinical testing. Allele origin: germline.

Labcorp Genetics (formerly Invitae), Labcorp
Classification: Uncertain significance. Last evaluated: 2025-01-09. Review status: criteria provided, single submitter. Criteria: Invitae Variant Classification Sherloc (09022015). Collection method: clinical testing. Allele origin: germline.
Comment: This sequence change replaces valine, which is neutral and non-polar, with methionine, which is neutral and non-polar, at codon 102 of the LRP5 protein (p.Val102Met). This variant is present in population databases (rs140216273, gnomAD 0.03%). This missense change has been observed in individual(s) with autosomal dominant exudative vitreoretinopathy (PMID: 31237656). ClinVar contains an entry for this variant (Variation ID: 2907413). Invitae Evidence Modeling of protein sequence and biophysical properties (such as structural, functional, and spatial information, amino acid conservation, physicochemical variation, residue mobility, and thermodynamic stability) has been performed for this missense variant. However, the output from this modeling did not meet the statistical confidence thresholds required to predict the impact of this variant on LRP5 protein function. In summary, the available evidence is currently insufficient to determine the role of this variant in disease. Therefore, it has been classified as a Variant of Uncertain Significance.

Literature cited by the submitters: PubMed 31237656 (cited by Ambry Genetics and Labcorp Genetics (formerly Invitae), Labcorp).